The following is an entry in ClinVar:

NM_000316.3(PTH1R):c.364_365delinsAA (p.Ala122Lys)

Genes: PTH1R (parathyroid hormone 1 receptor; plus strand), LOC129936652 (ATAC-STARR-seq lymphoblastoid silent region 14297; plus strand). Cytogenetic location: 3p21.31.
Variant type: Indel.
Coding change: c.364_365delinsAA on transcript NM_000316.3 (MANE Select); coding-DNA positions 364 to 365, GC replaced by AA.
Protein change: p.Ala122Lys; replaces alanine 122 with lysine.
Molecular consequence: missense variant.
Genome position (GRCh38, 1-based): chr3:46,897,905-46,897,906, GC replaced by AA. VCF-style: chr3-46897905-GC-AA. GRCh37 (hg19) VCF-style: chr3-46939395-GC-AA.
Other names: c.364_365delinsAA, p.Ala122Lys (NM_001184744.1); short protein forms A122K.
Identifiers: ClinVar variation 3688665 (VCV003688665.2).

ClinVar aggregate classification (germline): Uncertain significance (1 of 4 stars; one submission).

Submission:

Labcorp Genetics (formerly Invitae), Labcorp
Classification: Uncertain significance. Last evaluated: 2024-05-17. Review status: criteria provided, single submitter. Criteria: Invitae Variant Classification Sherloc (09022015). Collection method: clinical testing. Allele origin: germline.
Comment: This sequence change replaces alanine, which is neutral and non-polar, with lysine, which is basic and polar, at codon 122 of the PTH1R protein (p.Ala122Lys). Information on the frequency of this variant in the gnomAD database is not available, as this variant may be reported differently in the database. This variant has not been reported in the literature in individuals affected with PTH1R-related conditions. An algorithm developed to predict the effect of missense changes on protein structure and function (PolyPhen-2) suggests that this variant is likely to be tolerated. In summary, the available evidence is currently insufficient to determine the role of this variant in disease. Therefore, it has been classified as a Variant of Uncertain Significance.